The following is an entry in ClinVar:

NM_000143.4(FH):c.1237-4A>G

Gene: FH (fumarate hydratase; minus strand). Cytogenetic location: 1q43.
Variant type: single nucleotide variant.
Coding change: c.1237-4A>G on transcript NM_000143.4 (MANE Select); 4 bases into the intron before coding-DNA position 1237, A replaced by G.
Molecular consequence: intron variant.
Genome position (GRCh38, 1-based): chr1:241,500,594, T>C on the plus strand (A>G on the coding strand, the complement: FH is on the minus strand). VCF-style: chr1-241500594-T-C. GRCh37 (hg19) VCF-style: chr1-241663894-T-C.
Other names: c.1237-4A>G (NM_000143.3).
Identifiers: ClinVar variation 1188428 (VCV001188428.6), dbSNP rs1659749175, ClinGen allele CA1229577330.

ClinVar aggregate classification (germline): Likely benign. Review status: criteria provided, multiple submitters, no conflicts (2 of 4 stars). 4 submissions from 4 submitters: Likely benign (4). Last evaluated 2025-10-15.

Conditions:
Hereditary cancer-predisposing syndrome. Also called: Tumor predisposition; Hereditary Cancer Syndrome; Hereditary neoplastic syndrome; Neoplastic Syndromes, Hereditary. Identifiers: Orphanet 140162, MedGen C0027672, MeSH D009386, MONDO:0015356.
Hereditary leiomyomatosis and renal cell cancer. Also called: MULTIPLE CUTANEOUS AND UTERINE LEIOMYOMATA 1, WITH OR WITHOUT RENAL CELL CARCINOMA; LEIOMYOMA, MULTIPLE CUTANEOUS; Familial leiomyomatosis; FH tumor predisposition syndrome; Reed syndrome; Multiple cutaneous and uterine leiomyomatosis. Identifiers: Orphanet 523, MedGen C1708350, MONDO:0007888, OMIM 150800, HP:0007437. Disease mechanism: loss of function.

Allele frequency attached by ClinVar (database versions not stated): TOPMed below 0.00001.

Submissions (4):

Labcorp Genetics (formerly Invitae), Labcorp
Classification: Likely benign. Last evaluated: 2025-10-15. Review status: criteria provided, single submitter. Criteria: Invitae Variant Classification Sherloc (09022015). Collection method: clinical testing. Allele origin: germline.

Myriad Genetics, Inc.
Classification: Likely benign for Hereditary leiomyomatosis and renal cell cancer. Last evaluated: 2024-10-21. Review status: criteria provided, single submitter. Criteria: Myriad Autosomal Dominant, Autosomal Recessive and X-Linked Classification Criteria (2023). Collection method: clinical testing. Allele origin: unknown.
Comment: This variant is considered likely benign. This variant is intronic and is not expected to impact mRNA splicing.

Ambry Genetics
Classification: Likely benign for Hereditary cancer-predisposing syndrome. Last evaluated: 2023-10-26. Review status: criteria provided, single submitter. Criteria: Ambry Variant Classification Scheme 2023. Collection method: clinical testing. Allele origin: germline.

GeneDx
Classification: Likely benign. Last evaluated: 2020-08-11. Review status: criteria provided, single submitter. Criteria: GeneDx Variant Classification Process June 2021. Collection method: clinical testing. Allele origin: germline. Affected: yes.